The following is an entry in ClinVar:

ClinVar aggregate classification (germline): Uncertain significance (1 of 4 stars; one submission).

Submission:

Labcorp Genetics (formerly Invitae), Labcorp
Classification: Uncertain significance. Last evaluated: 2025-05-14. Review status: criteria provided, single submitter. Criteria: Invitae Variant Classification Sherloc (09022015). Collection method: clinical testing. Allele origin: germline.
Comment: This sequence change replaces serine, which is neutral and polar, with threonine, which is neutral and polar, at codon 2060 of the CACNA1D protein (p.Ser2060Thr). This variant is not present in population databases (gnomAD no frequency). This variant has not been reported in the literature in individuals affected with CACNA1D-related conditions. An algorithm developed to predict the effect of missense changes on protein structure and function (PolyPhen-2) suggests that this variant is likely to be tolerated. In summary, the available evidence is currently insufficient to determine the role of this variant in disease. Therefore, it has been classified as a Variant of Uncertain Significance.

NM_001128840.3(CACNA1D):c.6119G>C (p.Ser2040Thr)

Gene: CACNA1D (calcium voltage-gated channel subunit alpha1 D; plus strand). Cytogenetic location: 3p21.1.
Variant type: single nucleotide variant.
Coding change: c.6119G>C on transcript NM_001128840.3 (MANE Select); coding-DNA position 6119, G replaced by C.
Protein change: p.Ser2040Thr; replaces serine 2040 with threonine.
Molecular consequence: missense variant.
Genome position (GRCh38, 1-based): chr3:53,810,225, G>C. VCF-style: chr3-53810225-G-C. GRCh37 (hg19) VCF-style: chr3-53844252-G-C.
Other names: c.6179G>C, p.Ser2060Thr (NM_000720.4); c.6047G>C, p.Ser2016Thr (NM_001128839.3); short protein forms S2016T, S2060T, S2040T.
Identifiers: ClinVar variation 4719592 (VCV004719592.1).
Genomic context (GRCh38, chr3:53,810,225, plus strand): 5'-ACCGCAGCTCCTGGTACACAGACGAGCCCGACATCTCCTACCGGACTTTCACACCAGCCA[G>C]CCTGACTGTCCCCAGCAGCTTCCGGAACAAAAACAGCGACAAGCAGAGGAGTGCGGACAG-3'
Protein context (NP_001122312.1, residues 2030-2050): DISYRTFTPA[Ser2040Thr]LTVPSSFRNK